The following is an entry in ClinVar:

ClinVar aggregate classification (germline): Likely benign (1 of 4 stars; one submission).

Allele frequency attached by ClinVar (database versions not stated): gnomAD 0.00002; ExAC 0.00005; gnomAD exomes 0.00005; TOPMed 0.00006; 1000 Genomes Project 30x 0.00016; 1000 Genomes Project 0.00020.
gnomAD v4.1: 23 of 1,582,884 alleles (0.0015%); highest among the groups gnomAD compares: Admixed American, 0.017%; no homozygotes.

Submission:

CeGaT Center for Human Genetics Tuebingen
Classification: Likely benign. Last evaluated: 2022-04-01. Review status: criteria provided, single submitter. Criteria: CeGaT Center For Human Genetics Tuebingen Variant Classification Criteria Version 2. Collection method: clinical testing. Allele origin: germline. Affected: yes. Observed: 1 variant allele.
Comment: MBOAT7: BP4, BP7

NM_024298.5(MBOAT7):c.678G>A (p.Pro226=)

Gene: MBOAT7 (membrane bound acylglycerophosphatidylinositol O-acyltransferase MBOAT7; minus strand). Cytogenetic location: 19q13.42.
Variant type: single nucleotide variant.
Coding change: c.678G>A on transcript NM_024298.5 (MANE Select); coding-DNA position 678, G replaced by A.
Protein change: p.Pro226=; no amino-acid change (proline 226 retained).
Molecular consequence: synonymous variant.
Genome position (GRCh38, 1-based): chr19:54,180,949, C>T on the plus strand (G>A on the coding strand, the complement: MBOAT7 is on the minus strand). VCF-style: chr19-54180949-C-T. GRCh37 (hg19) VCF-style: chr19-54684666-C-T.
Other names: c.459G>A, p.Pro153= (NM_001146056.3, NM_001146083.3); c.678G>A, p.Pro226= (NM_001146082.3).
Identifiers: ClinVar variation 1694943 (VCV001694943.31), dbSNP rs529954463, ClinGen allele CA309346638.
Genomic context (GRCh38, chr19:54,180,949, plus strand): 5'-GTAGAAGCGCATGCGGAAGGCGAAGAAGACGGGGATCATGTAGAAGAGGCGGGCGGGCAG[C>T]GGGCGGGCGTAGAAGGCGTCCTCGCGCACGGCCTCCAGCGGGAAGAGGTGAGAGGAGAGC-3'
Protein context (NP_077274.3, residues 216-236): AVREDAFYAR[Pro226=]LPARLFYMIP